The following is an entry in ClinVar:

NM_000051.4(ATM):c.6275G>T (p.Cys2092Phe)

Genes: ATM (ATM serine/threonine kinase; plus strand), C11orf65 (chromosome 11 open reading frame 65; minus strand). Cytogenetic location: 11q22.3.
Variant type: single nucleotide variant.
Coding change: c.6275G>T on transcript NM_000051.4 (MANE Select); coding-DNA position 6275, G replaced by T.
Protein change: p.Cys2092Phe; replaces cysteine 2092 with phenylalanine.
Molecular consequence: missense variant. On other transcripts: intron variant (2).
Genome position (GRCh38, 1-based): chr11:108,317,449, G>T. VCF-style: chr11-108317449-G-T. GRCh37 (hg19) VCF-style: chr11-108188176-G-T.
Other names: c.6275G>T, p.Cys2092Phe (NM_001351834.2); c.641-8378C>A (NM_001330368.2); c.*39-8378C>A (NM_001351110.2); short protein forms C2092F.
Identifiers: ClinVar variation 2770883 (VCV002770883.3), dbSNP rs2136166660, ClinGen allele CA382551978.

ClinVar aggregate classification (germline): Uncertain significance (1 of 4 stars; one submission).

Conditions:
Ataxia-telangiectasia syndrome (AT). Also called: LOUIS-BAR SYNDROME; Cerebello-oculocutaneous telangiectasia; Immunodeficiency with ataxia telangiectasia; Ataxia telangiectasia (A-T); Ataxia-telangiectasia, complementation group D; AT, COMPLEMENTATION GROUP C. Identifiers: Orphanet 100, MedGen C0004135, MONDO:0008840, OMIM 208900.

Submission:

Labcorp Genetics (formerly Invitae), Labcorp
Classification: Uncertain significance for Ataxia-telangiectasia syndrome. Last evaluated: 2023-10-22. Review status: criteria provided, single submitter. Criteria: Invitae Variant Classification Sherloc (09022015). Collection method: clinical testing. Allele origin: germline.
Comment: This sequence change replaces cysteine, which is neutral and slightly polar, with phenylalanine, which is neutral and non-polar, at codon 2092 of the ATM protein (p.Cys2092Phe). This variant is not present in population databases (gnomAD no frequency). This variant has not been reported in the literature in individuals affected with ATM-related conditions. An algorithm developed to predict the effect of missense changes on protein structure and function (PolyPhen-2) suggests that this variant is likely to be tolerated. In summary, the available evidence is currently insufficient to determine the role of this variant in disease. Therefore, it has been classified as a Variant of Uncertain Significance.